The following is an entry in ClinVar:

NM_022455.5(NSD1):c.2008G>A (p.Asp670Asn)

Gene: NSD1 (nuclear receptor binding SET domain protein 1; plus strand). Cytogenetic location: 5q35.3.
Variant type: single nucleotide variant.
Coding change: c.2008G>A on transcript NM_022455.5 (MANE Select); coding-DNA position 2008, G replaced by A.
Protein change: p.Asp670Asn; replaces aspartic acid 670 with asparagine.
Molecular consequence: missense variant.
Genome position (GRCh38, 1-based): chr5:177,210,407, G>A. VCF-style: chr5-177210407-G-A. GRCh37 (hg19) VCF-style: chr5-176637408-G-A.
Other names: c.1135G>A, p.Asp379Asn (NM_001409307.1, NM_001409308.1, NM_001409309.1 and 3 more transcripts); c.2008G>A, p.Asp670Asn (NM_001409301.1, NM_001409302.1, NM_001409303.1); c.1588G>A, p.Asp530Asn (NM_001409304.1); c.1255G>A, p.Asp419Asn (NM_001409305.1); short protein forms D670N, D401N, D530N, D379N, D419N.
Identifiers: ClinVar variation 524683 (VCV000524683.14), dbSNP rs1554189230, ClinGen allele CA362313117.
Genomic context (GRCh38, chr5:177,210,407, plus strand): 5'-GATCCCATAGAACACAGCTCAGAGTCTGATAACAGTGTCCTTGAAATTCCAGATGCTTTC[G>A]ATAGAACAGAGAACATGTTATCTATGCAGAAAAATGAAAAGATAAAGTATTCTAGGTTTG-3'
Protein context (NP_071900.2, residues 660-680): NSVLEIPDAF[Asp670Asn]RTENMLSMQK

ClinVar aggregate classification (germline): Uncertain significance. Review status: criteria provided, multiple submitters, no conflicts (2 of 4 stars). 3 submissions from 3 submitters: Uncertain significance (3). Last evaluated 2021-07-15.

Conditions:
Acute myeloid leukemia (AML). Also called: Leukemia, acute myeloid, somatic; Leukemia, acute myelogenous, somatic; Acute myeloid leukemia, adult; AML adult; Acute non-lymphocytic leukemia; Acute granulocytic leukemia. Identifiers: Orphanet 519, MedGen C0023467, MeSH D015470, MONDO:0018874, OMIM 601626, HP:0004808. Disease mechanism: Constitutively activated FLT3.
Sotos syndrome (SOTOS). Also called: CHROMOSOME 5q35 DELETION SYNDROME; Sotos' syndrome; Distinctive facial appearance, overgrowth in childhood, and learning disabilities or delayed development; SOTOS SYNDROME 1; CEREBRAL GIGANTISM. Identifiers: Orphanet 821, MedGen C0175695, MONDO:0019349, OMIM 117550.

Allele frequency attached by ClinVar (database versions not stated): gnomAD below 0.00001 and 0.00001.
gnomAD v4.1: 7 of 1,613,902 alleles (0.00043%); highest among the groups gnomAD compares: South Asian, 0.0011%; no homozygotes.

Submissions (3):

Genome-Nilou Lab
Classification: Uncertain significance for Sotos syndrome. Last evaluated: 2021-07-15. Review status: criteria provided, single submitter. Criteria: ACMG Guidelines, 2015. Collection method: clinical testing. Allele origin: germline. Affected: no.

Labcorp Genetics (formerly Invitae), Labcorp
Classification: Uncertain significance. Last evaluated: 2019-10-20. Review status: criteria provided, single submitter. Criteria: Invitae Variant Classification Sherloc (09022015). Collection method: clinical testing. Allele origin: germline.
Comment: In summary, the available evidence is currently insufficient to determine the role of this variant in disease. Therefore, it has been classified as a Variant of Uncertain Significance. Algorithms developed to predict the effect of missense changes on protein structure and function (SIFT, PolyPhen-2, Align-GVGD) all suggest that this variant is likely to be tolerated, but these predictions have not been confirmed by published functional studies and their clinical significance is uncertain. This variant has not been reported in the literature in individuals with NSD1-related disease. This variant is not present in population databases (ExAC no frequency). This sequence change replaces aspartic acid with asparagine at codon 670 of the NSD1 protein (p.Asp670Asn). The aspartic acid residue is weakly conserved and there is a small physicochemical difference between aspartic acid and asparagine.

Fulgent Genetics
Classification: Uncertain significance for Sotos syndrome; Acute myeloid leukemia. Last evaluated: 2018-10-31. Review status: criteria provided, single submitter. Criteria: ACMG Guidelines, 2015. Collection method: clinical testing. Allele origin: unknown.